The following is an entry in ClinVar:

ClinVar aggregate classification (germline): Likely benign. Review status: criteria provided, multiple submitters, no conflicts (2 of 4 stars). 2 submissions from 2 submitters: Likely benign (2). Last evaluated 2025-05-27.

Conditions:
Chédiak-Higashi syndrome (CHS). Also called: Chediak-Higashi Syndrome. Identifiers: Orphanet 167, MedGen C0007965, MONDO:0008963, OMIM 214500.
LYST-related disorder. Also called: LYST-related condition.

gnomAD v4.1: 3 of 1,613,870 alleles (0.00019%); highest among the groups gnomAD compares: Non-Finnish European, 0.00025%; no homozygotes.

Submissions (2):

PreventionGenetics, part of Exact Sciences
Classification: Likely benign for LYST-related condition. Last evaluated: 2025-05-27. Review status: criteria provided, single submitter. Criteria: ACMG Guidelines, 2015. Collection method: clinical testing. Allele origin: germline.
Comment: This variant is classified as likely benign based on ACMG/AMP sequence variant interpretation guidelines (Richards et al. 2015 PMID: 25741868, with internal and published modifications).

Labcorp Genetics (formerly Invitae), Labcorp
Classification: Likely benign for Chédiak-Higashi syndrome. Last evaluated: 2025-05-08. Review status: criteria provided, single submitter. Criteria: Invitae Variant Classification Sherloc (09022015). Collection method: clinical testing. Allele origin: germline.

NM_000081.4(LYST):c.3273T>C (p.Phe1091=)

Gene: LYST (lysosomal trafficking regulator; minus strand). Cytogenetic location: 1q42.3.
Variant type: single nucleotide variant.
Coding change: c.3273T>C on transcript NM_000081.4 (MANE Select); coding-DNA position 3273, T replaced by C.
Protein change: p.Phe1091=; no amino-acid change (phenylalanine 1091 retained).
Molecular consequence: synonymous variant.
Genome position (GRCh38, 1-based): chr1:235,805,863, A>G on the plus strand (T>C on the coding strand, the complement: LYST is on the minus strand). VCF-style: chr1-235805863-A-G. GRCh37 (hg19) VCF-style: chr1-235969163-A-G.
Other names: c.3273T>C, p.Phe1091= (NM_001301365.1).
Identifiers: ClinVar variation 3605276 (VCV003605276.3).